The following is an entry in ClinVar:

NM_012186.3(FOXE3):c.145G>T (p.Gly49Ter)

Genes: FOXE3 (forkhead box E3; plus strand), LINC01389 (long independently transcribed non-coding RNA 1389; minus strand). Cytogenetic location: 1p33.
Variant type: single nucleotide variant.
Coding change: c.145G>T on transcript NM_012186.3 (MANE Select); coding-DNA position 145, G replaced by T.
Protein change: p.Gly49Ter; replaces glycine 49 with a stop codon.
Molecular consequence: nonsense.
Genome position (GRCh38, 1-based): chr1:47,416,460, G>T. VCF-style: chr1-47416460-G-T. GRCh37 (hg19) VCF-style: chr1-47882132-G-T.
Other names: short protein forms G49*.
Identifiers: ClinVar variation 2086066 (VCV002086066.4), dbSNP rs958293767, ClinGen allele CA340249123.
Genomic context (GRCh38, chr1:47,416,460, plus strand): 5'-CCGTCGCCGCTCGCAGGAGCCGAGCCAGGGCGGGAGCCAGAGGAGGCGGCGGCTGGCCGC[G>T]GAGAGGCGGCCCCCACGCCCGCGCCCGGCCCGGGGCGGCGGCGGCGGCGGCCCCTGCAGC-3'

ClinVar aggregate classification (germline): Pathogenic/Likely pathogenic. Review status: criteria provided, multiple submitters, no conflicts (2 of 4 stars). 2 submissions from 2 submitters: Pathogenic (1); Likely pathogenic (1). Last evaluated 2022-05-18.

Conditions:
Congenital primary aphakia. Also called: ANTERIOR SEGMENT DYSGENESIS 2; Anterior segment dysgenesis 2, multiple subtypes. Identifiers: Orphanet 83461, MedGen C1853230, MONDO:0012456, OMIM 610256.
Anterior segment dysgenesis. Also called: Ocular anterior segment dysgenesis. Identifiers: Orphanet 88632, MedGen C1862839, MONDO:0019503, HP:0007700.

Submissions (2):

Labcorp Genetics (formerly Invitae), Labcorp
Classification: Pathogenic for Anterior segment dysgenesis; Congenital primary aphakia. Last evaluated: 2022-05-18. Review status: criteria provided, single submitter. Criteria: Invitae Variant Classification Sherloc (09022015). Collection method: clinical testing. Allele origin: germline.
Comment: This variant disrupts a region of the FOXE3 protein in which other variant(s) (p.Cys240*) have been determined to be pathogenic (PMID: 16826526, 20140963, 24033328). This suggests that this is a clinically significant region of the protein, and that variants that disrupt it are likely to be disease-causing. For these reasons, this variant has been classified as Pathogenic. This sequence change creates a premature translational stop signal (p.Gly49*) in the FOXE3 gene. While this is not anticipated to result in nonsense mediated decay, it is expected to disrupt the last 271 amino acid(s) of the FOXE3 protein. The frequency data for this variant in the population databases is considered unreliable, as metrics indicate insufficient coverage at this position in the gnomAD database. This variant has not been reported in the literature in individuals affected with FOXE3-related conditions.

Department of Biotechnology and Genetic Engineering, Kohat University of Science and Technology
Classification: Likely pathogenic for Congenital primary aphakia. Review status: criteria provided, single submitter. Criteria: ACMG Guidelines, 2015. Collection method: research. Allele origin: germline. Inheritance: Autosomal recessive inheritance. Affected: yes. Observed: 2 variant alleles, 2 homozygotes.
Comment: This sequence change creates a premature stop codon (p.Gly49*) in the FOXE3 gene, leading to a truncated protein. Loss-of-function variants in FOXE3 are a known disease mechanism associated with autosomal recessive anterior segment dysgenesis (OMIM #610256). This variant is absent from population databases (gnomAD frequency: 0.00), supporting its rarity. MutationTaster predicts this change to be disease causing, further supporting a deleterious effect. Based on ACMG criteria (PVS1, PP2-moderate, PP1, PP5), this variant has been classified as Likely Pathogenic.

Literature cited by the submitters: PubMed 16826526 (cited by Labcorp Genetics (formerly Invitae), Labcorp); PubMed 20140963 (cited by Labcorp Genetics (formerly Invitae), Labcorp); PubMed 24033328 (cited by Labcorp Genetics (formerly Invitae), Labcorp).